The following is an entry in ClinVar:

NM_015570.4(AUTS2):c.176A>G (p.Asn59Ser)

Gene: AUTS2 (activator of transcription and developmental regulator AUTS2; plus strand). Cytogenetic location: 7q11.22.
Variant type: single nucleotide variant.
Coding change: c.176A>G on transcript NM_015570.4 (MANE Select); coding-DNA position 176, A replaced by G.
Protein change: p.Asn59Ser; replaces asparagine 59 with serine.
Molecular consequence: missense variant.
Genome position (GRCh38, 1-based): chr7:69,599,829, A>G. VCF-style: chr7-69599829-A-G. GRCh37 (hg19) VCF-style: chr7-69064815-A-G.
Other names: c.176A>G, p.Asn59Ser (NM_001127231.3, NM_001127232.3); short protein forms N59S.
Identifiers: ClinVar variation 4722215 (VCV004722215.1).

ClinVar aggregate classification (germline): Uncertain significance (1 of 4 stars; one submission).

Submission:

Labcorp Genetics (formerly Invitae), Labcorp
Classification: Uncertain significance. Last evaluated: 2025-10-03. Review status: criteria provided, single submitter. Criteria: Invitae Variant Classification Sherloc (09022015). Collection method: clinical testing. Allele origin: germline.
Comment: This sequence change replaces asparagine, which is neutral and polar, with serine, which is neutral and polar, at codon 59 of the AUTS2 protein (p.Asn59Ser). This variant is not present in population databases (gnomAD no frequency). This variant has not been reported in the literature in individuals affected with AUTS2-related conditions. An algorithm developed to predict the effect of missense changes on protein structure and function (PolyPhen-2) suggests that this variant is likely to be disruptive. In summary, the available evidence is currently insufficient to determine the role of this variant in disease. Therefore, it has been classified as a Variant of Uncertain Significance.